The following is an entry in ClinVar:

ClinVar aggregate classification (germline): Uncertain significance. Review status: criteria provided, multiple submitters, no conflicts (2 of 4 stars). 4 submissions from 4 submitters: Uncertain significance (4). Last evaluated 2026-08-21.

Conditions:
Hereditary cancer-predisposing syndrome. Also called: Tumor predisposition; Neoplastic Syndromes, Hereditary; Hereditary neoplastic syndrome; Hereditary Cancer Syndrome. Identifiers: Orphanet 140162, MedGen C0027672, MeSH D009386, MONDO:0015356.
Familial spontaneous pneumothorax (PSP). Identifiers: Orphanet 2903, MedGen C1868193, MONDO:0008259, OMIM 173600.
Nonpapillary renal cell carcinoma. Identifiers: Orphanet 422526, MedGen CN074294, MONDO:0007763, OMIM 144700.
Birt-Hogg-Dube syndrome 1 (BHD1). Also called: FIBROFOLLICULOMAS WITH TRICHODISCOMAS AND ACROCHORDONS. Identifiers: Orphanet 122, MedGen CN375946, MONDO:0800445, OMIM 135150.
Colorectal cancer. Also called: Colorectal cancer, somatic; Malignant Colorectal Neoplasm. Identifiers: MedGen C0346629, MONDO:0005575, OMIM 114500.
FLCN-related disorder. Also called: FLCN-related condition.
Birt-Hogg-Dube syndrome. Also called: Birt Hogg Dubé syndrome. Identifiers: Orphanet 122, MedGen C0346010, MONDO:0800444.

Allele frequency attached by ClinVar (database versions not stated): gnomAD exomes below 0.00001.
gnomAD v4.1: 1 of 1,613,876 alleles (0.000062%); highest among the groups gnomAD compares: Non-Finnish European, 0.000085%; no homozygotes.

Submissions (4):

PreventionGenetics, part of Exact Sciences
Classification: Uncertain significance for FLCN-related condition. Last evaluated: 2026-08-21. Review status: criteria provided, single submitter. Criteria: ACMG Guidelines, 2015. Collection method: clinical testing. Allele origin: germline.
Comment: The FLCN c.494G>C variant is predicted to result in the amino acid substitution p.Gly165Ala. To our knowledge, this variant has not been reported in the literature or in a large population database (gnomAD), indicating it is rare. It is classified as uncertain in ClinVar (Variation ID: 2073987). At this time, the clinical significance of this variant is uncertain due to the absence of conclusive functional and genetic evidence.

Labcorp Genetics (formerly Invitae), Labcorp
Classification: Uncertain significance for Birt-Hogg-Dube syndrome. Last evaluated: 2026-01-08. Review status: criteria provided, single submitter. Criteria: Invitae Variant Classification Sherloc (09022015). Collection method: clinical testing. Allele origin: germline.
Comment: This sequence change replaces glycine, which is neutral and non-polar, with alanine, which is neutral and non-polar, at codon 165 of the FLCN protein (p.Gly165Ala). This variant is not present in population databases (gnomAD no frequency). This variant has not been reported in the literature in individuals affected with FLCN-related conditions. ClinVar contains an entry for this variant (Variation ID: 2073987). Invitae Evidence Modeling of protein sequence and biophysical properties (such as structural, functional, and spatial information, amino acid conservation, physicochemical variation, residue mobility, and thermodynamic stability) indicates that this missense variant is expected to disrupt FLCN protein function with a positive predictive value of 80%. In summary, the available evidence is currently insufficient to determine the role of this variant in disease. Therefore, it has been classified as a Variant of Uncertain Significance.

Ambry Genetics
Classification: Uncertain significance for Hereditary cancer-predisposing syndrome. Last evaluated: 2025-05-04. Review status: criteria provided, single submitter. Criteria: Ambry Variant Classification Scheme 2023. Collection method: clinical testing. Allele origin: germline.
Comment: The p.G165A variant (also known as c.494G>C), located in coding exon 3 of the FLCN gene, results from a G to C substitution at nucleotide position 494. The glycine at codon 165 is replaced by alanine, an amino acid with similar properties. This amino acid position is conserved. In addition, this alteration is predicted to be deleterious by in silico analysis. Since supporting evidence is limited at this time, the clinical significance of this alteration remains unclear.

Fulgent Genetics
Classification: Uncertain significance for Colorectal cancer; Birt-Hogg-Dube syndrome 1; Nonpapillary renal cell carcinoma; Familial spontaneous pneumothorax. Last evaluated: 2024-04-07. Review status: criteria provided, single submitter. Criteria: ACMG Guidelines, 2015. Collection method: clinical testing. Allele origin: germline.

NM_144997.7(FLCN):c.494G>C (p.Gly165Ala)

Gene: FLCN (folliculin; minus strand). Cytogenetic location: 17p11.2.
Variant type: single nucleotide variant.
Coding change: c.494G>C on transcript NM_144997.7 (MANE Select); coding-DNA position 494, G replaced by C.
Protein change: p.Gly165Ala; replaces glycine 165 with alanine.
Molecular consequence: missense variant.
Genome position (GRCh38, 1-based): chr17:17,224,046, C>G on the plus strand (G>C on the coding strand, the complement: FLCN is on the minus strand). VCF-style: chr17-17224046-C-G. GRCh37 (hg19) VCF-style: chr17-17127360-C-G.
Other names: c.548G>C, p.Gly183Ala (NM_001353229.2); c.494G>C, p.Gly165Ala (NM_001353230.2, NM_001353231.2, NM_144606.7); short protein forms G183A, G165A.
Identifiers: ClinVar variation 2073987 (VCV002073987.10), dbSNP rs2144978314, ClinGen allele CA398534433.